The following is an entry in ClinVar:

ClinVar aggregate classification (germline): Benign/Likely benign. Review status: criteria provided, multiple submitters, no conflicts (2 of 4 stars). 4 submissions from 4 submitters: Benign (1); Likely benign (2). 1 of the submissions does not count toward it. Last evaluated 2024-11-25.

Conditions:
Hereditary cancer-predisposing syndrome. Also called: Neoplastic Syndromes, Hereditary; Hereditary neoplastic syndrome; Hereditary Cancer Syndrome; Tumor predisposition. Identifiers: Orphanet 140162, MedGen C0027672, MeSH D009386, MONDO:0015356.
APC-related disorder. Also called: APC-related condition.

Allele frequency attached by ClinVar (database versions not stated): 1000 Genomes Project 0.00419; TOPMed 0.00525; 1000 Genomes Project 30x 0.00468; gnomAD 0.00443.
gnomAD v4.1: 954 of 985,674 alleles (0.097%); highest among the groups gnomAD compares: African/African-American, 1.5%; 5 homozygotes.

Submissions (4):

Blueprint Genetics
Classification: Likely benign. Last evaluated: 2024-11-25. Review status: criteria provided, single submitter. Criteria: ACMG Guidelines, 2015. Collection method: clinical testing. Allele origin: germline.

Institute for Biomarker Research, Medical Diagnostic Laboratories, L.L.C.
Classification: Benign for Hereditary cancer-predisposing syndrome. Last evaluated: 2023-03-30. Review status: criteria provided, single submitter. Criteria: ACMG Guidelines, 2015. Collection method: clinical testing. Allele origin: germline.

GeneDx
Classification: Likely benign. Last evaluated: 2017-10-09. Review status: criteria provided, single submitter. Criteria: GeneDx Variant Classification (06012015). Collection method: clinical testing. Allele origin: germline. Affected: yes.
Comment: This variant is considered likely benign or benign based on one or more of the following criteria: it is a conservative change, it occurs at a poorly conserved position in the protein, it is predicted to be benign by multiple in silico algorithms, and/or has population frequency not consistent with disease.

PreventionGenetics, part of Exact Sciences
Classification: Benign for APC-related condition. Last evaluated: 2019-07-18. Review status: no assertion criteria provided. Collection method: clinical testing. Allele origin: germline. Not counted in ClinVar's aggregate classification.
Comment: This variant is classified as benign based on ACMG/AMP sequence variant interpretation guidelines (Richards et al. 2015 PMID: 25741868, with internal and published modifications).

NM_001127511.3(APC):c.166-28452G>C

Gene: APC (APC regulator of Wnt signaling pathway; plus strand). Cytogenetic location: 5q22.2.
Variant type: single nucleotide variant.
Coding change: c.166-28452G>C on transcript NM_001127511.3; 28452 bases into the intron before coding-DNA position 166, G replaced by C.
Molecular consequence: intron variant.
Genome position (GRCh38, 1-based): chr5:112,737,874, G>C. VCF-style: chr5-112737874-G-C. GRCh37 (hg19) VCF-style: chr5-112073571-G-C.
Other names: c.166-28452G>C (NM_001354897.1, NM_001407446.1, NM_001354897.2 and 1 more transcripts); c.-18-16999G>C (NM_001407447.1, NM_001354895.2, NM_001407456.1 and 7 more transcripts); c.-42-28452G>C (NM_001407453.1); c.-70G>C (NM_000038.4); c.-178G>C (NM_001127510.1); c.-1053-16999G>C (NM_001407470.1, NM_001407472.1).
Identifiers: ClinVar variation 350408 (VCV000350408.11), dbSNP rs115242894, ClinGen allele CA10622249.